The following is an entry in ClinVar:

NM_007194.4(CHEK2):c.1505A>G (p.Glu502Gly)

Gene: CHEK2 (checkpoint kinase 2; minus strand). Cytogenetic location: 22q12.1.
Variant type: single nucleotide variant.
Coding change: c.1505A>G on transcript NM_007194.4 (MANE Select); coding-DNA position 1505, A replaced by G.
Protein change: p.Glu502Gly; replaces glutamic acid 502 with glycine.
Molecular consequence: missense variant.
Genome position (GRCh38, 1-based): chr22:28,689,172, T>C on the plus strand (A>G on the coding strand, the complement: CHEK2 is on the minus strand). VCF-style: chr22-28689172-T-C. GRCh37 (hg19) VCF-style: chr22-29085160-T-C.
Other names: c.1634A>G, p.Glu545Gly (NM_001005735.3); c.842A>G, p.Glu281Gly (NM_001257387.3); c.1304A>G, p.Glu435Gly (NM_001349956.3); c.1418A>G, p.Glu473Gly (NM_145862.3); short protein forms E502G, E281G, E435G, E473G, E545G.
Identifiers: ClinVar variation 409997 (VCV000409997.19), dbSNP rs1060502682, ClinGen allele CA16616327.
Genomic context (GRCh38, chr22:28,689,172, plus strand): 5'-GTGATCATCAGGAATACGAATACCTGGGCTAGAACCTGGGGTAGAGCTGTGGATTCATTT[T>C]CCTCAGACAGAAGATCTTGAAACTTTCTCTTCATGTCTTCATCCTGTGAGGGAATTAAAA-3'
Protein context (NP_009125.1, residues 492-512): KRKFQDLLSE[Glu502Gly]NESTALPQVL

ClinVar aggregate classification (germline): Uncertain significance. Review status: criteria provided, multiple submitters, no conflicts (2 of 4 stars). 6 submissions from 6 submitters: Uncertain significance (6). Last evaluated 2025-04-09.

Conditions:
Hereditary cancer-predisposing syndrome. Also called: Tumor predisposition; Hereditary Cancer Syndrome; Hereditary neoplastic syndrome; Neoplastic Syndromes, Hereditary. Identifiers: Orphanet 140162, MedGen C0027672, MeSH D009386, MONDO:0015356.
Familial cancer of breast. Also called: BREAST CANCER, FAMILIAL; Hereditary breast cancer; hereditary breast carcinoma. Identifiers: Orphanet 227535, MedGen C0346153, MONDO:0016419, OMIM 114480. Disease mechanism: loss of function.
CHEK2-related cancer predisposition (TPDS4). Also called: CHEK2-related cancer susceptibility; TUMOR PREDISPOSITION SYNDROME 4; CANCER PREDISPOSITION SYNDROME, CHEK2-RELATED. Identifiers: Orphanet 524, MedGen C5882668, MONDO:0700271, OMIM 609265.

Allele frequency attached by ClinVar (database versions not stated): TOPMed below 0.00001; gnomAD exomes 0.00001.
gnomAD v4.1: 3 of 1,595,398 alleles (0.00019%); highest among the groups gnomAD compares: Admixed American, 0.0017%; no homozygotes.

Submissions (6):

Labcorp Genetics (formerly Invitae), Labcorp
Classification: Uncertain significance for Familial cancer of breast. Last evaluated: 2025-04-09. Review status: criteria provided, single submitter. Criteria: Invitae Variant Classification Sherloc (09022015). Collection method: clinical testing. Allele origin: germline.
Comment: This sequence change replaces glutamic acid, which is acidic and polar, with glycine, which is neutral and non-polar, at codon 502 of the CHEK2 protein (p.Glu502Gly). This variant is not present in population databases (gnomAD no frequency). This variant has not been reported in the literature in individuals affected with CHEK2-related conditions. ClinVar contains an entry for this variant (Variation ID: 409997). An algorithm developed to predict the effect of missense changes on protein structure and function (PolyPhen-2) suggests that this variant is likely to be tolerated. In summary, the available evidence is currently insufficient to determine the role of this variant in disease. Therefore, it has been classified as a Variant of Uncertain Significance.

Color Diagnostics, LLC DBA Color Health
Classification: Uncertain significance for Hereditary cancer-predisposing syndrome. Last evaluated: 2024-10-16. Review status: criteria provided, single submitter. Criteria: ACMG Guidelines, 2015. Collection method: clinical testing. Allele origin: germline.
Comment: This missense variant replaces glutamic acid with glycine at codon 502 of the CHEK2 protein. Computational prediction suggests that this variant may not impact protein structure and function. To our knowledge, functional studies have not been reported for this variant. This variant has not been reported in individuals affected with hereditary cancer in the literature. This variant has not been identified in the general population by the Genome Aggregation Database (gnomAD). The available evidence is insufficient to determine the role of this variant in disease conclusively. Therefore, this variant is classified as a Variant of Uncertain Significance.

Ambry Genetics
Classification: Uncertain significance for Hereditary cancer-predisposing syndrome. Last evaluated: 2024-04-25. Review status: criteria provided, single submitter. Criteria: Ambry Variant Classification Scheme 2023. Collection method: clinical testing. Allele origin: germline.
Comment: The p.E502G variant (also known as c.1505A>G), located in coding exon 13 of the CHEK2 gene, results from an A to G substitution at nucleotide position 1505. The glutamic acid at codon 502 is replaced by glycine, an amino acid with similar properties. This amino acid position is well conserved in available vertebrate species. In addition, this alteration is predicted to be tolerated by in silico analysis. Since supporting evidence is limited at this time, the clinical significance of this alteration remains unclear.

GeneDx
Classification: Uncertain significance. Last evaluated: 2023-08-04. Review status: criteria provided, single submitter. Criteria: GeneDx Variant Classification Process June 2021. Collection method: clinical testing. Allele origin: germline. Affected: yes.
Comment: Not observed at significant frequency in large population cohorts (gnomAD); In silico analysis supports that this missense variant does not alter protein structure/function; Has not been previously published as pathogenic or benign to our knowledge

Department of Pathology and Laboratory Medicine, Sinai Health System
Classification: Uncertain significance for CHEK2-related cancer predisposition. Last evaluated: 2022-11-07. Review status: criteria provided, single submitter. Criteria: ACMG Guidelines, 2015. Collection method: research. Allele origin: germline.

Mendelics
Classification: Uncertain significance for Familial cancer of breast. Last evaluated: 2019-05-28. Review status: criteria provided, single submitter. Criteria: Mendelics Assertion Criteria 2017. Collection method: clinical testing. Allele origin: unknown.